The following is an entry in ClinVar:

ClinVar aggregate classification (germline): Uncertain significance (1 of 4 stars; one submission).

gnomAD v4.1: 106 of 1,577,256 alleles (0.0067%); highest among the groups gnomAD compares: Non-Finnish European, 0.0086%; no homozygotes.

Submission:

Labcorp Genetics (formerly Invitae), Labcorp
Classification: Uncertain significance. Last evaluated: 2024-12-15. Review status: criteria provided, single submitter. Criteria: Invitae Variant Classification Sherloc (09022015). Collection method: clinical testing. Allele origin: germline.
Comment: This sequence change replaces glycine, which is neutral and non-polar, with serine, which is neutral and polar, at codon 1336 of the ADGRB2 protein (p.Gly1336Ser). This variant is present in population databases (rs375174610, gnomAD 0.01%). This variant has not been reported in the literature in individuals affected with ADGRB2-related conditions. An algorithm developed to predict the effect of missense changes on protein structure and function (PolyPhen-2) suggests that this variant is likely to be tolerated. In summary, the available evidence is currently insufficient to determine the role of this variant in disease. Therefore, it has been classified as a Variant of Uncertain Significance.

NM_001364857.2(ADGRB2):c.4105G>A (p.Gly1369Ser)

Gene: ADGRB2 (adhesion G protein-coupled receptor B2; minus strand). Cytogenetic location: 1p35.2.
Variant type: single nucleotide variant.
Coding change: c.4105G>A on transcript NM_001364857.2 (MANE Select); coding-DNA position 4105, G replaced by A.
Protein change: p.Gly1369Ser; replaces glycine 1369 with serine.
Molecular consequence: missense variant.
Genome position (GRCh38, 1-based): chr1:31,731,075, C>T on the plus strand (G>A on the coding strand, the complement: ADGRB2 is on the minus strand). VCF-style: chr1-31731075-C-T. GRCh37 (hg19) VCF-style: chr1-32196676-C-T.
Other names: c.4105G>A, p.Gly1369Ser (NM_001294335.2); c.4006G>A, p.Gly1336Ser (NM_001294336.2); short protein forms G1336S, G1369S.
Identifiers: ClinVar variation 3715290 (VCV003715290.2).
Genomic context (GRCh38, chr1:31,731,075, plus strand): 5'-CTGTCTTGGCAGCTCGCCGGGGGGTCCCCTCCGGCCGGGCCCTGGGGGCATCCTCACCAC[C>T]TCCACCCCCACCGCCAGGCTGCAGGCTCAAAGTCCGCCGGGGCAGCACCATGTAGTCTCC-3'
Protein context (NP_001351786.1, residues 1359-1379): LSLQPGGGGG[Gly1369Ser]GEDAPRARPE